The following is an entry in ClinVar:

NM_004329.3(BMPR1A):c.764G>C (p.Gly255Ala)

Gene: BMPR1A (bone morphogenetic protein receptor type 1A; plus strand). Cytogenetic location: 10q23.2.
Variant type: single nucleotide variant.
Coding change: c.764G>C on transcript NM_004329.3 (MANE Select); coding-DNA position 764, G replaced by C.
Protein change: p.Gly255Ala; replaces glycine 255 with alanine.
Molecular consequence: missense variant. On other transcripts: non-coding transcript variant (3).
Genome position (GRCh38, 1-based): chr10:86,917,222, G>C. VCF-style: chr10-86917222-G-C. GRCh37 (hg19) VCF-style: chr10-88676979-G-C.
Other names: c.839G>C, p.Gly280Ala (NM_001406559.1); c.812G>C, p.Gly271Ala (NM_001406560.1); c.764G>C, p.Gly255Ala (NM_001406561.1, NM_001406562.1, NM_001406563.1 and 19 more transcripts); c.422G>C, p.Gly141Ala (NM_001406589.1); c.758G>C, p.Gly253Ala (NM_001406583.1); c.680G>C, p.Gly227Ala (NM_001406584.1, NM_001406585.1, NM_001406586.1 and 2 more transcripts); short protein forms G141A, G227A, G280A, G253A, G255A, G271A.
Identifiers: ClinVar variation 2715578 (VCV002715578.3), dbSNP rs1843585065, ClinGen allele CA377457771.

ClinVar aggregate classification (germline): Uncertain significance (1 of 4 stars; one submission).

Conditions:
Juvenile polyposis syndrome (JPS). Identifiers: Orphanet 2929, MedGen C0345893, MONDO:0017380, OMIM 174900.

Submission:

Labcorp Genetics (formerly Invitae), Labcorp
Classification: Uncertain significance for Juvenile polyposis syndrome. Last evaluated: 2023-06-30. Review status: criteria provided, single submitter. Criteria: Invitae Variant Classification Sherloc (09022015). Collection method: clinical testing. Allele origin: germline.
Comment: This variant is not present in population databases (gnomAD no frequency). This variant has not been reported in the literature in individuals affected with BMPR1A-related conditions. Advanced modeling of protein sequence and biophysical properties (such as structural, functional, and spatial information, amino acid conservation, physicochemical variation, residue mobility, and thermodynamic stability) has been performed at Invitae for this missense variant, however the output from this modeling did not meet the statistical confidence thresholds required to predict the impact of this variant on BMPR1A protein function. In summary, the available evidence is currently insufficient to determine the role of this variant in disease. Therefore, it has been classified as a Variant of Uncertain Significance. This sequence change replaces glycine, which is neutral and non-polar, with alanine, which is neutral and non-polar, at codon 255 of the BMPR1A protein (p.Gly255Ala).